The following is an entry in ClinVar:

NM_017612.5(ZCCHC8):c.1624G>A (p.Asp542Asn)

Gene: ZCCHC8 (zinc finger CCHC-type containing 8; minus strand). Cytogenetic location: 12q24.31.
Variant type: single nucleotide variant.
Coding change: c.1624G>A on transcript NM_017612.5 (MANE Select); coding-DNA position 1624, G replaced by A.
Protein change: p.Asp542Asn; replaces aspartic acid 542 with asparagine.
Molecular consequence: missense variant.
Genome position (GRCh38, 1-based): chr12:122,473,997, C>T on the plus strand (G>A on the coding strand, the complement: ZCCHC8 is on the minus strand). VCF-style: chr12-122473997-C-T. GRCh37 (hg19) VCF-style: chr12-122958544-C-T.
Other names: c.1393G>A, p.Asp465Asn (NM_001350935.2); c.1327G>A, p.Asp443Asn (NM_001350936.2); c.910G>A, p.Asp304Asn (NM_001350937.2, NM_001350938.2); short protein forms D304N, D465N, D443N, D542N.
Identifiers: ClinVar variation 2397402 (VCV002397402.5), dbSNP rs900876792, ClinGen allele CA244748677.

ClinVar aggregate classification (germline): Uncertain significance. Review status: criteria provided, multiple submitters, no conflicts (2 of 4 stars). 2 submissions from 2 submitters: Uncertain significance (2). Last evaluated 2025-07-09.

Allele frequency attached by ClinVar (database versions not stated): gnomAD exomes 0.00001; TOPMed below 0.00001.
gnomAD v4.1: 11 of 1,575,856 alleles (0.0007%); highest among the groups gnomAD compares: South Asian, 0.0024%; no homozygotes.

Submissions (2):

Labcorp Genetics (formerly Invitae), Labcorp
Classification: Uncertain significance. Last evaluated: 2025-07-09. Review status: criteria provided, single submitter. Criteria: Invitae Variant Classification Sherloc (09022015). Collection method: clinical testing. Allele origin: germline.
Comment: This sequence change replaces aspartic acid, which is acidic and polar, with asparagine, which is neutral and polar, at codon 542 of the ZCCHC8 protein (p.Asp542Asn). This variant is present in population databases (no rsID available, gnomAD 0.002%). This variant has not been reported in the literature in individuals affected with ZCCHC8-related conditions. ClinVar contains an entry for this variant (Variation ID: 2397402). Invitae Evidence Modeling of protein sequence and biophysical properties (such as structural, functional, and spatial information, amino acid conservation, physicochemical variation, residue mobility, and thermodynamic stability) has been performed for this missense variant. However, the output from this modeling did not meet the statistical confidence thresholds required to predict the impact of this variant on ZCCHC8 protein function. In summary, the available evidence is currently insufficient to determine the role of this variant in disease. Therefore, it has been classified as a Variant of Uncertain Significance.

Ambry Genetics
Classification: Uncertain significance. Last evaluated: 2021-09-01. Review status: criteria provided, single submitter. Criteria: Ambry Variant Classification Scheme 2023. Collection method: clinical testing. Allele origin: germline.